The following is an entry in ClinVar:

NM_007294.4(BRCA1):c.1103A>G (p.Glu368Gly)

Gene: BRCA1 (BRCA1 DNA repair associated; minus strand). Cytogenetic location: 17q21.31.
Variant type: single nucleotide variant.
Coding change: c.1103A>G on transcript NM_007294.4 (MANE Select); coding-DNA position 1103, A replaced by G.
Protein change: p.Glu368Gly; replaces glutamic acid 368 with glycine.
Molecular consequence: missense variant. On other transcripts: intron variant (137).
Genome position (GRCh38, 1-based): chr17:43,094,428, T>C on the plus strand (A>G on the coding strand, the complement: BRCA1 is on the minus strand). VCF-style: chr17-43094428-T-C. GRCh37 (hg19) VCF-style: chr17-41246445-T-C.
Other names: c.767A>G, p.Glu256Gly (NM_001407956.1, NM_001407958.1, NM_001407954.1 and 1 more transcripts); c.770A>G, p.Glu257Gly (NM_001407957.1, NM_001407946.1, NM_001407947.1 and 6 more transcripts); c.722A>G, p.Glu241Gly (NM_001407959.1, NM_001407960.1, NM_001407963.1); c.787+316A>G (NM_001407978.1, NM_001407979.1, NM_001407977.1 and 19 more transcripts); c.643+316A>G (NM_001408462.1, NM_001408470.1, NM_001408464.1 and 3 more transcripts); c.709+316A>G (NM_001408414.1, NM_001408411.1, NM_001408415.1 and 2 more transcripts); c.577+316A>G (NM_001408514.1, NM_001408485.1, NM_001408483.1 and 9 more transcripts); c.661+316A>G (NM_001408447.1, NM_001408433.1, NM_001408446.1 and 6 more transcripts); and 40 more; short protein forms E200G, E240G, E241G, E256G, E257G, E279G, E280G, E297G.
Identifiers: ClinVar variation 4686574 (VCV004686574.1).

ClinVar aggregate classification (germline): Uncertain significance (1 of 4 stars; one submission).

Conditions:
Breast-ovarian cancer, familial, susceptibility to, 1 (BROVCA1). Also called: OVARIAN CANCER, SUSCEPTIBILITY TO; BRCA1 Hereditary Breast and Ovarian Cancer. Identifiers: Orphanet 145, MedGen C2676676, MONDO:0011450, OMIM 604370. Disease mechanism: loss of function.

Submission:

KCCC/NGS Laboratory, Kuwait Cancer Control Center
Classification: Uncertain significance for Breast-ovarian cancer, familial, susceptibility to, 1. Last evaluated: 2026-01-05. Review status: criteria provided, single submitter. Criteria: ACMG Guidelines, 2015. Collection method: clinical testing. Allele origin: germline. Inheritance: Autosomal dominant inheritance. Affected: yes.
Comment: A variant of uncertain significance was detected in the BRCA1 gene (c.1103A>G). The p.Glu368Gly variant located in coding exon 10 of the BRCA1 gene, results from a A to G substitution at nucleotide position 1103. The glutamic acid at codon 368 is replaced by glycine, This amino acid position is not conserved (PhyloP= 2.02 ). This variant not present in our local database nor was it identified in the Genome Aggregation Database The computational analyses (PolyPhen-2, SIFT, MutationTaster) suggest a high pathogenic impacts on the protein; however, this information is not predictive enough to rule out pathogenicity. ClinVar has no entry for this variant . Since supporting evidence is limited at this time, this variant is classified as of uncertain significance.